The following is an entry in ClinVar:

ClinVar aggregate classification (germline): Uncertain significance (1 of 4 stars; one submission).

Allele frequency attached by ClinVar (database versions not stated): gnomAD exomes below 0.00001.
gnomAD v4.1: 1 of 1,614,102 alleles (0.000062%); highest among the groups gnomAD compares: South Asian, 0.0011%; no homozygotes.

Submission:

Labcorp Genetics (formerly Invitae), Labcorp
Classification: Uncertain significance. Last evaluated: 2022-03-27. Review status: criteria provided, single submitter. Criteria: Invitae Variant Classification Sherloc (09022015). Collection method: clinical testing. Allele origin: germline.
Comment: Algorithms developed to predict the effect of missense changes on protein structure and function output the following: SIFT: "Tolerated"; PolyPhen-2: "Benign"; Align-GVGD: "Class C0". The methionine amino acid residue is found in multiple mammalian species, which suggests that this missense change does not adversely affect protein function. In summary, the available evidence is currently insufficient to determine the role of this variant in disease. Therefore, it has been classified as a Variant of Uncertain Significance. This variant has not been reported in the literature in individuals affected with A2ML1-related conditions. This variant is not present in population databases (gnomAD no frequency). This sequence change replaces valine, which is neutral and non-polar, with methionine, which is neutral and non-polar, at codon 910 of the A2ML1 protein (p.Val910Met).

NM_144670.6(A2ML1):c.2728G>A (p.Val910Met)

Gene: A2ML1 (alpha-2-macroglobulin like 1; plus strand). Cytogenetic location: 12p13.31.
Variant type: single nucleotide variant.
Coding change: c.2728G>A on transcript NM_144670.6 (MANE Select); coding-DNA position 2728, G replaced by A.
Protein change: p.Val910Met; replaces valine 910 with methionine.
Molecular consequence: missense variant.
Genome position (GRCh38, 1-based): chr12:8,854,795, G>A. VCF-style: chr12-8854795-G-A. GRCh37 (hg19) VCF-style: chr12-9007391-G-A.
Other names: c.1255G>A, p.Val419Met (NM_001282424.3); short protein forms V910M, V419M.
Identifiers: ClinVar variation 2118445 (VCV002118445.4), dbSNP rs2539266150, ClinGen allele CA383835116.